The following is an entry in ClinVar:

ClinVar aggregate classification (germline): Uncertain significance (1 of 4 stars; one submission).

Submission:

Labcorp Genetics (formerly Invitae), Labcorp
Classification: Uncertain significance. Last evaluated: 2021-04-08. Review status: criteria provided, single submitter. Criteria: Invitae Variant Classification Sherloc (09022015). Collection method: clinical testing. Allele origin: germline.
Comment: In summary, the available evidence is currently insufficient to determine the role of this variant in disease. Therefore, it has been classified as a Variant of Uncertain Significance. This variant has not been reported in the literature in individuals with SEMA4A-related conditions. This variant is present in population databases (rs780667660, ExAC 0.006%). This sequence change creates a premature translational stop signal (p.Lys110Glufs*2) in the SEMA4A gene. It is expected to result in an absent or disrupted protein product. However, the current clinical and genetic evidence is not sufficient to establish whether loss-of-function variants in SEMA4A cause disease.

NM_022367.4(SEMA4A):c.328_329del (p.Lys110fs)

Gene: SEMA4A (semaphorin 4A; plus strand). Cytogenetic location: 1q22.
Variant type: Deletion.
Coding change: c.328_329del on transcript NM_022367.4 (MANE Select); coding-DNA positions 328 to 329, 2 bases deleted (AA; older notation c.328_329delAA).
Protein change: p.Lys110fs; shifts the reading frame from lysine 110.
Molecular consequence: frameshift variant. On other transcripts: 5 prime UTR variant (2).
Genome position (GRCh38, 1-based): chr1:156,158,097-156,158,098, AA deleted; deleting any 2 consecutive bases within chr1:156,158,093-156,158,098 gives the same sequence; the c. name uses the placement nearest the transcript's 3' end. VCF-style (leftmost placement, unchanged base first): chr1-156158092-GAA-G. GRCh37 (hg19) VCF-style: chr1-156127883-GAA-G.
Other names: c.328_329del, p.Lys110fs (NM_001193300.2, NM_001193301.2, NM_001370567.1); c.31_32del, p.Lys11fs (NM_001193302.2, NM_001370568.1); c.-197_-196del (NM_001370569.1, NM_001370571.1); short protein forms K110fs, K11fs.
Identifiers: ClinVar variation 1412328 (VCV001412328.6), dbSNP rs780667660, ClinGen allele CA1154998.